The following is an entry in ClinVar:

NM_153603.4(COG7):c.1718G>A (p.Arg573Gln)

Gene: COG7 (component of oligomeric golgi complex 7; minus strand). Cytogenetic location: 16p12.2.
Variant type: single nucleotide variant.
Coding change: c.1718G>A on transcript NM_153603.4 (MANE Select); coding-DNA position 1718, G replaced by A.
Protein change: p.Arg573Gln; replaces arginine 573 with glutamine.
Molecular consequence: missense variant.
Genome position (GRCh38, 1-based): chr16:23,403,779, C>T on the plus strand (G>A on the coding strand, the complement: COG7 is on the minus strand). VCF-style: chr16-23403779-C-T. GRCh37 (hg19) VCF-style: chr16-23415100-C-T.
Other names: short protein forms R573Q.
Identifiers: ClinVar variation 702562 (VCV000702562.12), dbSNP rs143639857, ClinGen allele CA7960899.

ClinVar aggregate classification (germline): Likely benign. Review status: criteria provided, single submitter (1 of 4 stars). 2 submissions from 2 submitters: Likely benign (1). 1 of the submissions does not count toward it. Last evaluated 2026-01-26.

Conditions:
COG7-related disorder. Also called: COG7-related condition.
COG7 congenital disorder of glycosylation (CDG2E). Also called: CONGENITAL DISORDER OF GLYCOSYLATION, TYPE IIe; CDG IIe. Identifiers: Orphanet 79333, MedGen C2931010, MONDO:0012118, OMIM 608779.

Allele frequency attached by ClinVar (database versions not stated): 1000 Genomes Project 30x 0.00016; 1000 Genomes Project 0.00020; TOPMed 0.00043; ESP Exome Variant Server 0.00054; gnomAD exomes 0.00064 and 0.00072; gnomAD 0.00071 and 0.00076; ExAC 0.00076.
gnomAD v4.1: 1,038 of 1,614,206 alleles (0.064%); highest among the groups gnomAD compares: Non-Finnish European, 0.059%; 1 homozygote.

Submissions (2):

Labcorp Genetics (formerly Invitae), Labcorp
Classification: Likely benign for COG7 congenital disorder of glycosylation. Last evaluated: 2026-01-26. Review status: criteria provided, single submitter. Criteria: Invitae Variant Classification Sherloc (09022015). Collection method: clinical testing. Allele origin: germline.

PreventionGenetics, part of Exact Sciences
Classification: Likely benign for COG7-related condition. Last evaluated: 2023-01-10. Review status: no assertion criteria provided. Collection method: clinical testing. Allele origin: germline. Not counted in ClinVar's aggregate classification.
Comment: This variant is classified as likely benign based on ACMG/AMP sequence variant interpretation guidelines (Richards et al. 2015 PMID: 25741868, with internal and published modifications).